The following is an entry in ClinVar:

ClinVar aggregate classification (germline): Likely benign (1 of 4 stars; one submission).

Submission:

CeGaT Center for Human Genetics Tuebingen
Classification: Likely benign. Last evaluated: 2026-08-01. Review status: criteria provided, single submitter. Criteria: CeGaT Center For Human Genetics Tuebingen Variant Classification Criteria Version 2. Collection method: clinical testing. Allele origin: germline. Affected: yes. Observed: 1 variant allele.
Comment: COL6A3: PM2:Supporting, BP4, BP7

NM_004369.4(COL6A3):c.5763C>T (p.His1921=)

Gene: COL6A3 (collagen type VI alpha 3 chain; minus strand). Cytogenetic location: 2q37.3.
Variant type: single nucleotide variant.
Coding change: c.5763C>T on transcript NM_004369.4 (MANE Select); coding-DNA position 5763, C replaced by T.
Protein change: p.His1921=; no amino-acid change (histidine 1921 retained).
Molecular consequence: synonymous variant.
Genome position (GRCh38, 1-based): chr2:237,365,773, G>A on the plus strand (C>T on the coding strand, the complement: COL6A3 is on the minus strand). VCF-style: chr2-237365773-G-A. GRCh37 (hg19) VCF-style: chr2-238274416-G-A.
Other names: c.3942C>T, p.His1314= (NM_057166.5); c.5145C>T, p.His1715= (NM_057167.4).
Identifiers: ClinVar variation 5039422 (VCV005039422.1).